The following is an entry in ClinVar:

ClinVar aggregate classification (germline): Uncertain significance (1 of 4 stars; one submission).

gnomAD v4.1: 10 of 1,613,726 alleles (0.00062%); highest among the groups gnomAD compares: East Asian, 0.022%; no homozygotes.

Submission:

Mayo Clinic Laboratories, Mayo Clinic
Classification: Uncertain significance. Last evaluated: 2025-08-13. Review status: criteria provided, single submitter. Criteria: ACMG Guidelines, 2015. Collection method: clinical testing. Allele origin: germline. Observed: 1 variant allele.
Comment: PM2_supporting

NM_001267550.2(TTN):c.96233A>G (p.Tyr32078Cys)

Genes: TTN (titin; minus strand), TTN-AS1 (TTN antisense RNA 1; plus strand), LOC126806421 (CDK7 strongly-dependent group 2 enhancer GRCh37_chr2:179407630-179408829; plus strand). Cytogenetic location: 2q31.2.
Variant type: single nucleotide variant.
Coding change: c.96233A>G on transcript NM_001267550.2 (MANE Select); coding-DNA position 96233, A replaced by G.
Protein change: p.Tyr32078Cys; replaces tyrosine 32078 with cysteine.
Molecular consequence: missense variant.
Genome position (GRCh38, 1-based): chr2:178,543,911, T>C on the plus strand (A>G on the coding strand, the complement: TTN is on the minus strand). VCF-style: chr2-178543911-T-C. GRCh37 (hg19) VCF-style: chr2-179408638-T-C.
Other names: p.Tyr29510Cys; c.69038A>G, p.Tyr23013Cys (NM_003319.4); c.88529A>G, p.Tyr29510Cys (NM_133378.4); c.69413A>G, p.Tyr23138Cys (NM_133432.3); c.69614A>G, p.Tyr23205Cys (NM_133437.4); c.91310A>G, p.Tyr30437Cys (NM_001256850.1); short protein forms Y29510C, Y32078C, Y23138C, Y30437C, Y23013C, Y23205C.
Identifiers: ClinVar variation 4540704 (VCV004540704.1).